The following is an entry in ClinVar:

NM_001101.5(ACTB):c.364-7C>T

Gene: ACTB (actin beta; minus strand). Cytogenetic location: 7p22.1.
Variant type: single nucleotide variant.
Coding change: c.364-7C>T on transcript NM_001101.5 (MANE Select); 7 bases into the intron before coding-DNA position 364, C replaced by T.
Molecular consequence: intron variant.
Genome position (GRCh38, 1-based): chr7:5,528,726, G>A on the plus strand (C>T on the coding strand, the complement: ACTB is on the minus strand). VCF-style: chr7-5528726-G-A. GRCh37 (hg19) VCF-style: chr7-5568357-G-A.
Identifiers: ClinVar variation 695454 (VCV000695454.32), dbSNP rs764266143, ClinGen allele CA4147008.

ClinVar aggregate classification (germline): Likely benign. Review status: criteria provided, multiple submitters, no conflicts (2 of 4 stars). 2 submissions from 2 submitters: Likely benign (2). Last evaluated 2023-07-09.

Conditions:
Baraitser-Winter syndrome 1 (BRWS1). Also called: BARAITSER-WINTER SYNDROME 1, ATYPICAL; Cerebrofrontofacial syndrome; PACHYGYRIA, MENTAL RETARDATION, EPILEPSY, AND CHARACTERISTIC FACIES; MENTAL RETARDATION WITH EPILEPSY AND CHARACTERISTIC FACIES. Identifiers: Orphanet 2649, Orphanet 2995, MedGen C1855722, MONDO:0009470, OMIM 243310.

Allele frequency attached by ClinVar (database versions not stated): ExAC 0.00001.
gnomAD v4.1: 8 of 1,612,572 alleles (0.0005%); highest among the groups gnomAD compares: South Asian, 0.0011%; no homozygotes.

Submissions (2):

Labcorp Genetics (formerly Invitae), Labcorp
Classification: Likely benign for Baraitser-Winter syndrome 1. Last evaluated: 2023-07-09. Review status: criteria provided, single submitter. Criteria: Invitae Variant Classification Sherloc (09022015). Collection method: clinical testing. Allele origin: germline.

CeGaT Center for Human Genetics Tuebingen
Classification: Likely benign. Last evaluated: 2022-07-01. Review status: criteria provided, single submitter. Criteria: CeGaT Center For Human Genetics Tuebingen Variant Classification Criteria Version 2. Collection method: clinical testing. Allele origin: germline. Affected: yes. Observed: 1 variant allele.
Comment: ACTB: BP4